The following is an entry in ClinVar:

ClinVar aggregate classification (germline): Uncertain significance (1 of 4 stars; one submission).

Conditions:
RASopathy. Also called: rasopathies; Noonan spectrum disorder. Identifiers: Orphanet 536391, MedGen C5555857, MONDO:0021060.

Submission:

Labcorp Genetics (formerly Invitae), Labcorp
Classification: Uncertain significance for RASopathy. Last evaluated: 2026-01-19. Review status: criteria provided, single submitter. Criteria: Invitae Variant Classification Sherloc (09022015). Collection method: clinical testing. Allele origin: germline.
Comment: This sequence change replaces glutamic acid, which is acidic and polar, with glutamine, which is neutral and polar, at codon 419 of the SHOC2 protein (p.Glu419Gln). This variant is not present in population databases (gnomAD no frequency). This variant has not been reported in the literature in individuals affected with SHOC2-related conditions. Invitae Evidence Modeling of protein sequence and biophysical properties (such as structural, functional, and spatial information, amino acid conservation, physicochemical variation, residue mobility, and thermodynamic stability) indicates that this missense variant is not expected to disrupt SHOC2 protein function with a negative predictive value of 80%. In summary, the available evidence is currently insufficient to determine the role of this variant in disease. Therefore, it has been classified as a Variant of Uncertain Significance.

NM_007373.4(SHOC2):c.1255G>C (p.Glu419Gln)

Gene: SHOC2 (SHOC2 leucine rich repeat scaffold protein; plus strand). Cytogenetic location: 10q25.2.
Variant type: single nucleotide variant.
Coding change: c.1255G>C on transcript NM_007373.4 (MANE Select); coding-DNA position 1255, G replaced by C.
Protein change: p.Glu419Gln; replaces glutamic acid 419 with glutamine.
Molecular consequence: missense variant. On other transcripts: non-coding transcript variant (1).
Genome position (GRCh38, 1-based): chr10:111,007,624, G>C. VCF-style: chr10-111007624-G-C. GRCh37 (hg19) VCF-style: chr10-112767382-G-C.
Other names: c.1117G>C, p.Glu373Gln (NM_001269039.3, NM_001441186.1); c.1255G>C, p.Glu419Gln (NM_001324336.2, NM_001324337.2, NM_001441184.1 and 2 more transcripts); c.586G>C, p.Glu196Gln (NM_001441188.1); c.172G>C, p.Glu58Gln (NM_001441189.1, NM_001441190.1, NM_001441191.1); short protein forms E419Q, E58Q, E196Q, E373Q.
Identifiers: ClinVar variation 4740286 (VCV004740286.1).